The following is an entry in ClinVar:

NM_001372123.1(IKZF5):c.254G>A (p.Arg85Gln)

Gene: IKZF5 (IKAROS family zinc finger 5; minus strand). Cytogenetic location: 10q26.13.
Variant type: single nucleotide variant.
Coding change: c.254G>A on transcript NM_001372123.1 (MANE Select); coding-DNA position 254, G replaced by A.
Protein change: p.Arg85Gln; replaces arginine 85 with glutamine.
Molecular consequence: missense variant.
Genome position (GRCh38, 1-based): chr10:122,996,056, C>T on the plus strand (G>A on the coding strand, the complement: IKZF5 is on the minus strand). VCF-style: chr10-122996056-C-T. GRCh37 (hg19) VCF-style: chr10-124755572-C-T.
Other names: c.254G>A, p.Arg85Gln (NM_001271840.1, NM_001372125.1, NM_001372126.1 and 3 more transcripts); c.50G>A, p.Arg17Gln (NM_001372124.1, NM_001372129.1, NM_001372130.1 and 1 more transcripts); short protein forms R17Q, R85Q.
Identifiers: ClinVar variation 2634601 (VCV002634601.1), dbSNP rs375967070, ClinGen allele CA215130635.

ClinVar aggregate classification (germline): Uncertain significance (1 of 4 stars; one submission).

Conditions:
IKZF5-related disorder. Also called: IKZF5-related condition.

Allele frequency attached by ClinVar (database versions not stated): gnomAD exomes 0.00001; TOPMed 0.00002; ESP Exome Variant Server 0.00008.

Submission:

PreventionGenetics, part of Exact Sciences
Classification: Uncertain significance for IKZF5-related condition. Last evaluated: 2023-08-09. Review status: criteria provided, single submitter. Criteria: ACMG Guidelines, 2015. Collection method: clinical testing. Allele origin: germline.
Comment: The IKZF5 c.254G>A variant is predicted to result in the amino acid substitution p.Arg85Gln. To our knowledge, this variant has not been reported in the literature. This variant is reported in 0.0056% of alleles in individuals of East Asian descent in gnomAD. At this time, the clinical significance of this variant is uncertain due to the absence of conclusive functional and genetic evidence.